The following is an entry in ClinVar:

NM_182914.3(SYNE2):c.19891G>A (p.Ala6631Thr)

Gene: SYNE2 (spectrin repeat containing nuclear envelope protein 2; plus strand). Cytogenetic location: 14q23.2.
Variant type: single nucleotide variant.
Coding change: c.19891G>A on transcript NM_182914.3 (MANE Select); coding-DNA position 19891, G replaced by A.
Protein change: p.Ala6631Thr; replaces alanine 6631 with threonine.
Molecular consequence: missense variant.
Genome position (GRCh38, 1-based): chr14:64,220,467, G>A. VCF-style: chr14-64220467-G-A. GRCh37 (hg19) VCF-style: chr14-64687185-G-A.
Other names: c.19822G>A, p.Ala6608Thr (NM_015180.6); c.415G>A, p.Ala139Thr (NM_182910.2); c.793G>A, p.Ala265Thr (NM_182913.4); short protein forms A139T, A265T, A6608T, A6631T.
Identifiers: ClinVar variation 3349474 (VCV003349474.1).

ClinVar aggregate classification (germline): Uncertain significance (0 of 4 stars; one submission).

Conditions:
SYNE2-related disorder. Also called: SYNE2-related condition.

Submission:

PreventionGenetics, part of Exact Sciences
Classification: Uncertain significance for SYNE2-related condition. Last evaluated: 2024-05-08. Review status: no assertion criteria provided. Collection method: clinical testing. Allele origin: germline.
Comment: The SYNE2 c.19891G>A variant is predicted to result in the amino acid substitution p.Ala6631Thr. To our knowledge, this variant has not been reported in the literature or in a large population database, indicating this variant is rare. At this time, the clinical significance of this variant is uncertain due to the absence of conclusive functional and genetic evidence.